The following is an entry in ClinVar:

NM_004415.4(DSP):c.2994T>G (p.Asp998Glu)

Gene: DSP (desmoplakin; plus strand). Cytogenetic location: 6p24.3.
Variant type: single nucleotide variant.
Coding change: c.2994T>G on transcript NM_004415.4 (MANE Select); coding-DNA position 2994, T replaced by G.
Protein change: p.Asp998Glu; replaces aspartic acid 998 with glutamic acid.
Molecular consequence: missense variant.
Genome position (GRCh38, 1-based): chr6:7,578,472, T>G. VCF-style: chr6-7578472-T-G. GRCh37 (hg19) VCF-style: chr6-7578705-T-G.
Other names: c.2994T>G, p.Asp998Glu (NM_001008844.3, NM_001319034.2); short protein forms D998E.
Identifiers: ClinVar variation 925633 (VCV000925633.7), dbSNP rs755610951, ClinGen allele CA036528.

ClinVar aggregate classification (germline): Uncertain significance. Review status: criteria provided, multiple submitters, no conflicts (2 of 4 stars). 3 submissions from 3 submitters: Uncertain significance (3). Last evaluated 2023-12-05.

Conditions:
Cardiomyopathy (CMYO). Also called: Cardiomyopathies. Identifiers: Orphanet 167848, MedGen C0878544, MONDO:0004994, HP:0001638. Inheritance: Various modes of inheritance.
Arrhythmogenic cardiomyopathy with wooly hair and keratoderma. Also called: PALMOPLANTAR KERATODERMA WITH LEFT VENTRICULAR CARDIOMYOPATHY AND WOOLLY HAIR; Carvajal syndrome; Dilated cardiomyopathy with woolly hair and keratoderma; Arrhythmogenic cardiomyopathy with woolly hair and keratoderma. Identifiers: Orphanet 65282, MedGen C1854063, MONDO:0011581, OMIM 605676.

Allele frequency attached by ClinVar (database versions not stated): gnomAD exomes below 0.00001; ExAC 0.00001.
gnomAD v4.1: 5 of 1,613,606 alleles (0.00031%); highest among the groups gnomAD compares: Non-Finnish European, 0.00042%; no homozygotes.

Submissions (3):

Color Diagnostics, LLC DBA Color Health
Classification: Uncertain significance for Cardiomyopathy. Last evaluated: 2023-12-05. Review status: criteria provided, single submitter. Criteria: ACMG Guidelines, 2015. Collection method: clinical testing. Allele origin: germline.
Comment: Variant of Uncertain Significance due to insufficient evidence: This missense variant is located in the plakin domain of the DSP protein. Computational prediction tools and conservation analyses suggest that this variant may not impact the protein function. Computational splicing tools suggest that this variant may not impact RNA splicing. To our knowledge, functional assays have not been performed for this variant nor has this variant been reported in individuals affected with cardiovascular disorders in the literature. This variant has been identified in 1/246076 chromosomes in the general population by the Genome Aggregation Database (gnomAD). Available evidence is insufficient to determine the role of this variant in disease conclusively.

All of Us Research Program, National Institutes of Health
Classification: Uncertain significance for Arrhythmogenic cardiomyopathy with wooly hair and keratoderma. Last evaluated: 2023-03-04. Review status: criteria provided, single submitter. Criteria: ACMG Guidelines, 2015. Collection method: clinical testing. Allele origin: germline. Inheritance: Autosomal dominant inheritance. Observed: 1 variant allele, 1 heterozygote.
Comment: This study involves interpretation of variants in research participants for the purpose of population health screening. Participant phenotype was not available at the time of variant classification. Additional details can be found in publication PMID: 35346344, PMCID: PMC8962531

GeneDx
Classification: Uncertain significance. Last evaluated: 2022-07-21. Review status: criteria provided, single submitter. Criteria: GeneDx Variant Classification Process June 2021. Collection method: clinical testing. Allele origin: germline. Affected: yes.
Comment: Not observed at significant frequency in large population cohorts (gnomAD); In silico analysis supports that this missense variant does not alter protein structure/function; Has not been previously published as pathogenic or benign to our knowledge